The following is an entry in ClinVar:

NM_006393.3(NEBL):c.1348A>C (p.Lys450Gln)

Gene: NEBL (nebulette; minus strand). Cytogenetic location: 10p12.31.
Variant type: single nucleotide variant.
Coding change: c.1348A>C on transcript NM_006393.3 (MANE Select); coding-DNA position 1348, A replaced by C.
Protein change: p.Lys450Gln; replaces lysine 450 with glutamine.
Molecular consequence: missense variant. On other transcripts: intron variant (9).
Genome position (GRCh38, 1-based): chr10:20,835,614, T>G on the plus strand (A>C on the coding strand, the complement: NEBL is on the minus strand). VCF-style: chr10-20835614-T-G. GRCh37 (hg19) VCF-style: chr10-21124543-T-G.
Other names: c.250-22674A>C (NM_001377326.1, NM_001377327.1, NM_001377328.1); c.358-22674A>C (NM_213569.2, NM_001173484.2, NM_001377322.1); c.301-22674A>C (NM_001377324.1); c.292-22674A>C (NM_001377325.1); c.310-22674A>C (NM_001377323.1); short protein forms K450Q.
Identifiers: ClinVar variation 2563750 (VCV002563750.2), dbSNP rs2491830324, ClinGen allele CA376098442.

ClinVar aggregate classification (germline): Uncertain significance (1 of 4 stars; one submission).

Submission:

Ambry Genetics
Classification: Uncertain significance. Last evaluated: 2023-05-26. Review status: criteria provided, single submitter. Criteria: Ambry Variant Classification Scheme 2023. Collection method: clinical testing. Allele origin: germline.
Comment: The p.K450Q variant (also known as c.1348A>C), located in coding exon 14 of the NEBL gene, results from an A to C substitution at nucleotide position 1348. The lysine at codon 450 is replaced by glutamine, an amino acid with similar properties. This amino acid position is conserved. In addition, this alteration is predicted to be tolerated by in silico analysis. Since supporting evidence is limited at this time, the clinical significance of this alteration remains unclear.